The following is an entry in ClinVar:

NM_001080.3(ALDH5A1):c.671C>A (p.Thr224Asn)

Gene: ALDH5A1 (aldehyde dehydrogenase 5 family member A1; plus strand). Cytogenetic location: 6p22.3.
Variant type: single nucleotide variant.
Coding change: c.671C>A on transcript NM_001080.3 (MANE Select); coding-DNA position 671, C replaced by A.
Protein change: p.Thr224Asn; replaces threonine 224 with asparagine.
Molecular consequence: missense variant.
Genome position (GRCh38, 1-based): chr6:24,504,930, C>A. VCF-style: chr6-24504930-C-A. GRCh37 (hg19) VCF-style: chr6-24505158-C-A.
Other names: c.671C>A, p.Thr224Asn (NM_001368954.1, NM_170740.1); short protein forms T224N.
Identifiers: ClinVar variation 1367547 (VCV001367547.8), dbSNP rs2127382947, ClinGen allele CA362970102.

ClinVar aggregate classification (germline): Uncertain significance (1 of 4 stars; one submission).

Conditions:
Succinate-semialdehyde dehydrogenase deficiency (SSADHD). Also called: 4-HYDROXYBUTYRIC ACIDURIA; GABA METABOLIC DEFECT; SSADH DEFICIENCY; Succinic Semialdehyde Dehydrogenase Deficiency. Identifiers: Orphanet 22, MedGen C0268631, MONDO:0010083, OMIM 271980.

Submission:

Labcorp Genetics (formerly Invitae), Labcorp
Classification: Uncertain significance for Succinate-semialdehyde dehydrogenase deficiency. Last evaluated: 2022-03-19. Review status: criteria provided, single submitter. Criteria: Invitae Variant Classification Sherloc (09022015). Collection method: clinical testing. Allele origin: germline.
Comment: This sequence change replaces threonine, which is neutral and polar, with asparagine, which is neutral and polar, at codon 224 of the ALDH5A1 protein (p.Thr224Asn). This variant is not present in population databases (gnomAD no frequency). In summary, the available evidence is currently insufficient to determine the role of this variant in disease. Therefore, it has been classified as a Variant of Uncertain Significance. Advanced modeling of protein sequence and biophysical properties (such as structural, functional, and spatial information, amino acid conservation, physicochemical variation, residue mobility, and thermodynamic stability) performed at Invitae indicates that this missense variant is expected to disrupt ALDH5A1 protein function. This variant has not been reported in the literature in individuals affected with ALDH5A1-related conditions.